The following is an entry in ClinVar:

NM_014252.4(SLC25A15):c.729T>G (p.Ser243=)

Gene: SLC25A15 (solute carrier family 25 member 15; plus strand). Cytogenetic location: 13q14.11.
Variant type: single nucleotide variant.
Coding change: c.729T>G on transcript NM_014252.4 (MANE Select); coding-DNA position 729, T replaced by G.
Protein change: p.Ser243=; no amino-acid change (serine 243 retained).
Molecular consequence: synonymous variant.
Genome position (GRCh38, 1-based): chr13:40,808,544, T>G. VCF-style: chr13-40808544-T-G. GRCh37 (hg19) VCF-style: chr13-41382680-T-G.
Identifiers: ClinVar variation 1129140 (VCV001129140.32), dbSNP rs1007126000, ClinGen allele CA248381117.

ClinVar aggregate classification (germline): Likely benign. Review status: criteria provided, multiple submitters, no conflicts (2 of 4 stars). 2 submissions from 2 submitters: Likely benign (2). Last evaluated 2026-01-28.

Conditions:
Hyperornithinemia-hyperammonemia-homocitrullinuria syndrome (HHHS). Also called: HHH SYNDROME; Ornithine translocase deficiency. Identifiers: Orphanet 415, MedGen C0268540, MONDO:0009393, OMIM 238970.

Allele frequency attached by ClinVar (database versions not stated): gnomAD exomes 0.00001; TOPMed 0.00007; gnomAD 0.00009.
gnomAD v4.1: 24 of 1,611,504 alleles (0.0015%); highest among the groups gnomAD compares: African/African-American, 0.031%; no homozygotes.

Submissions (2):

Labcorp Genetics (formerly Invitae), Labcorp
Classification: Likely benign for Hyperornithinemia-hyperammonemia-homocitrullinuria syndrome. Last evaluated: 2026-01-28. Review status: criteria provided, single submitter. Criteria: Invitae Variant Classification Sherloc (09022015). Collection method: clinical testing. Allele origin: germline.

CeGaT Center for Human Genetics Tuebingen
Classification: Likely benign. Last evaluated: 2023-05-01. Review status: criteria provided, single submitter. Criteria: CeGaT Center For Human Genetics Tuebingen Variant Classification Criteria Version 2. Collection method: clinical testing. Allele origin: germline. Affected: yes. Observed: 1 variant allele.
Comment: SLC25A15: BP4, BP7